The following is an entry in ClinVar:

NM_004260.4(RECQL4):c.733G>A (p.Val245Ile)

Gene: RECQL4 (RecQ like helicase 4; minus strand). Cytogenetic location: 8q24.3.
Variant type: single nucleotide variant.
Coding change: c.733G>A on transcript NM_004260.4 (MANE Select); coding-DNA position 733, G replaced by A.
Protein change: p.Val245Ile; replaces valine 245 with isoleucine.
Molecular consequence: missense variant.
Genome position (GRCh38, 1-based): chr8:144,516,386, C>T on the plus strand (G>A on the coding strand, the complement: RECQL4 is on the minus strand). VCF-style: chr8-144516386-C-T. GRCh37 (hg19) VCF-style: chr8-145741770-C-T.
Other names: short protein forms V245I.
Identifiers: ClinVar variation 1364031 (VCV001364031.6), dbSNP rs2130723324, ClinGen allele CA372689475.
Genomic context (GRCh38, chr8:144,516,386, plus strand): 5'-TCCATCTCCGCTTCTCGCCTCCACTGCTGCTGGGCTGGGGGCTCCCCACACGGATGCTGA[C>T]TTCTTGGAAGGCTGAAGCCTCTGGGCCCTGGGAGCCAGCACCAGGACCAAGGACAGCCGA-3'
Protein context (NP_004251.4, residues 235-255): QGPEASAFQE[Val245Ile]SIRVGSPQPS

ClinVar aggregate classification (germline): Uncertain significance (1 of 4 stars; one submission).

Conditions:
Baller-Gerold syndrome (BGS). Also called: CRANIOSYNOSTOSIS WITH RADIAL DEFECTS. Identifiers: Orphanet 1225, MedGen C0265308, MONDO:0009039, OMIM 218600.

Allele frequency attached by ClinVar (database versions not stated): gnomAD exomes below 0.00001.
gnomAD v4.1: 1 of 1,609,966 alleles (0.000062%); highest among the groups gnomAD compares: East Asian, 0.0022%; no homozygotes.

Submission:

Labcorp Genetics (formerly Invitae), Labcorp
Classification: Uncertain significance for Baller-Gerold syndrome. Last evaluated: 2021-05-04. Review status: criteria provided, single submitter. Criteria: Invitae Variant Classification Sherloc (09022015). Collection method: clinical testing. Allele origin: germline.
Comment: In summary, the available evidence is currently insufficient to determine the role of this variant in disease. Therefore, it has been classified as a Variant of Uncertain Significance. Experimental studies and prediction algorithms are not available or were not evaluated, and the functional significance of this variant is currently unknown. This variant has not been reported in the literature in individuals with RECQL4-related conditions. This variant is not present in population databases (ExAC no frequency). This sequence change replaces valine with isoleucine at codon 245 of the RECQL4 protein (p.Val245Ile). The valine residue is weakly conserved and there is a small physicochemical difference between valine and isoleucine.